The following is an entry in ClinVar:

NM_007315.4(STAT1):c.*304A>T

Gene: STAT1 (signal transducer and activator of transcription 1; minus strand). Cytogenetic location: 2q32.2.
Variant type: single nucleotide variant.
Coding change: c.*304A>T on transcript NM_007315.4 (MANE Select); 304 bases downstream of the stop codon, A replaced by T.
Molecular consequence: 3 prime UTR variant.
Genome position (GRCh38, 1-based): chr2:190,970,399, T>A on the plus strand (A>T on the coding strand, the complement: STAT1 is on the minus strand). VCF-style: chr2-190970399-T-A. GRCh37 (hg19) VCF-style: chr2-191835125-T-A.
Other names: c.*304A>T (NM_001384880.1, NM_001384881.1, NM_001384882.1 and 9 more transcripts).
Identifiers: ClinVar variation 333262 (VCV000333262.5), dbSNP rs190542524, ClinGen allele CA10613375.

ClinVar aggregate classification (germline): Likely benign (1 of 4 stars; one submission).

Conditions:
Mendelian susceptibility to mycobacterial diseases due to partial STAT1 deficiency. Also called: IMMUNODEFICIENCY 31A, MYCOBACTERIOSIS, AUTOSOMAL DOMINANT; STAT1 DEFICIENCY, AUTOSOMAL DOMINANT; Immunodeficiency 31a. Identifiers: Orphanet 319595, MedGen C4013950, MONDO:0013956, OMIM 614892.

Allele frequency attached by ClinVar (database versions not stated): TOPMed 0.00014; 1000 Genomes Project 0.00060; 1000 Genomes Project 30x 0.00062.
gnomAD v4.1: 32 of 466,810 alleles (0.0069%); highest among the groups gnomAD compares: East Asian, 0.13%; no homozygotes.

Submission:

Illumina Laboratory Services, Illumina
Classification: Likely benign for Mendelian susceptibility to mycobacterial diseases due to partial STAT1 deficiency. Last evaluated: 2017-04-27. Review status: criteria provided, single submitter. Criteria: ICSL Variant Classification Criteria 13 December 2019. Collection method: clinical testing. Allele origin: germline.
Comment: This variant was observed as part of a predisposition screen in an ostensibly healthy population. A literature search was performed for the gene, cDNA change, and amino acid change (where applicable). No publications were found based on this search. Allele frequency data from public databases allowed determination this variant is unlikely to cause disease. Therefore, this variant is classified as likely benign.